The following is an entry in ClinVar:

NM_014425.5(INVS):c.406T>A (p.Phe136Ile)

Gene: INVS (inversin; plus strand). Cytogenetic location: 9q31.1.
Variant type: single nucleotide variant.
Coding change: c.406T>A on transcript NM_014425.5 (MANE Select); coding-DNA position 406, T replaced by A.
Protein change: p.Phe136Ile; replaces phenylalanine 136 with isoleucine.
Molecular consequence: missense variant. On other transcripts: 5 prime UTR variant (1), non-coding transcript variant (1).
Genome position (GRCh38, 1-based): chr9:100,226,194, T>A. VCF-style: chr9-100226194-T-A. GRCh37 (hg19) VCF-style: chr9-102988476-T-A.
Other names: c.118T>A, p.Phe40Ile (NM_001318381.2); c.-584T>A (NM_001318382.2); short protein forms F136I, F40I.
Identifiers: ClinVar variation 968145 (VCV000968145.9), dbSNP rs1831314008, ClinGen allele CA374359394.
Genomic context (GRCh38, chr9:100,226,194, plus strand): 5'-ACTCCTTTGCACTTGACCACCCGGCACAGGAGCCCTAAGTGTTTGGCACTTCTGCTGAAG[T>A]TTATGGCACCAGGAGAAGTGGATACACAGGATAAAAACAAGGTAATGGATACTCAAAATC-3'
Protein context (NP_055240.2, residues 126-146): SPKCLALLLK[Phe136Ile]MAPGEVDTQD

ClinVar aggregate classification (germline): Uncertain significance (1 of 4 stars; one submission).

Conditions:
Nephronophthisis. Also called: Juvenile Nephronophthisis. Identifiers: Orphanet 655, MedGen C0687120, MONDO:0019005, HP:0000090.

Submission:

Labcorp Genetics (formerly Invitae), Labcorp
Classification: Uncertain significance for Nephronophthisis. Last evaluated: 2025-08-21. Review status: criteria provided, single submitter. Criteria: Invitae Variant Classification Sherloc (09022015). Collection method: clinical testing. Allele origin: germline.
Comment: This sequence change replaces phenylalanine, which is neutral and non-polar, with isoleucine, which is neutral and non-polar, at codon 136 of the INVS protein (p.Phe136Ile). This variant is not present in population databases (gnomAD no frequency). This variant has not been reported in the literature in individuals affected with INVS-related conditions. ClinVar contains an entry for this variant (Variation ID: 968145). An algorithm developed to predict the effect of missense changes on protein structure and function (PolyPhen-2) suggests that this variant is likely to be tolerated. In summary, the available evidence is currently insufficient to determine the role of this variant in disease. Therefore, it has been classified as a Variant of Uncertain Significance.